The following is an entry in ClinVar:

ClinVar aggregate classification (germline): Uncertain significance (0 of 4 stars; one submission).

Conditions:
Fanconi anemia complementation group A (FANCA). Also called: FANCA-Related Fanconi Anemia; Fanconi anemia, group A. Identifiers: Orphanet 84, MedGen C3469521, MONDO:0009215, OMIM 227650.

Submission:

Istanbul Faculty of Medicine, Istanbul University
Classification: Uncertain significance for Fanconi anemia, complementation group A. Last evaluated: 2020-03-17. Review status: no assertion criteria provided. Collection method: clinical testing. Allele origin: germline. Affected: yes. Observed: 1 variant allele.
Comment: Segregates in family

Literature cited by the submitters: DOI 10.1159/000509838.

NM_000135.4(FANCA):c.2938G>C (p.Ala980Pro)

Gene: FANCA (FA complementation group A; minus strand). Cytogenetic location: 16q24.3.
Variant type: single nucleotide variant.
Coding change: c.2938G>C on transcript NM_000135.4 (MANE Select); coding-DNA position 2938, G replaced by C.
Protein change: p.Ala980Pro; replaces alanine 980 with proline.
Molecular consequence: missense variant.
Genome position (GRCh38, 1-based): chr16:89,758,620, C>G on the plus strand (G>C on the coding strand, the complement: FANCA is on the minus strand). VCF-style: chr16-89758620-C-G. GRCh37 (hg19) VCF-style: chr16-89825028-C-G.
Other names: c.2938G>C, p.Ala980Pro (NM_001286167.3); short protein forms A980P.
Identifiers: ClinVar variation 915870 (VCV000915870.3), dbSNP rs2038841366, ClinGen allele CA397431155.